The following is an entry in ClinVar:

ClinVar aggregate classification (germline): Pathogenic. Review status: reviewed by expert panel (3 of 4 stars). 3 submissions from 3 submitters: Pathogenic (1). 2 of the submissions do not count toward it. Last evaluated 2016-10-18.

Conditions:
BRCA1-related disorder. Also called: BRCA1-related condition.
Breast-ovarian cancer, familial, susceptibility to, 1 (BROVCA1). Also called: BRCA1 Hereditary Breast and Ovarian Cancer; OVARIAN CANCER, SUSCEPTIBILITY TO. Identifiers: Orphanet 145, MedGen C2676676, MONDO:0011450, OMIM 604370. Disease mechanism: loss of function.

Allele frequency attached by ClinVar (database versions not stated): gnomAD exomes below 0.00001.
gnomAD v4.1: 1 of 1,613,522 alleles (0.000062%); highest among the groups gnomAD compares: Non-Finnish European, 0.000085%; no homozygotes.

Submissions (3):

Evidence-based Network for the Interpretation of Germline Mutant Alleles (ENIGMA)
Classification: Pathogenic for Breast-ovarian cancer, familial, susceptibility to, 1. Last evaluated: 2016-10-18. Review status: reviewed by expert panel. Criteria: ENIGMA BRCA1/2 Classification Criteria (2015). Collection method: curation. Allele origin: germline.
Comment: Variant allele predicted to encode a truncated non-functional protein.

Blueprint Genetics
Classification: Pathogenic for BRCA1-related disorders. Last evaluated: 2023-10-09. Review status: criteria provided, single submitter. Criteria: ACMG Guidelines, 2015. Collection method: clinical testing. Allele origin: germline. Affected: yes. Observed: 1 variant allele. Not counted in ClinVar's aggregate classification.

Consortium of Investigators of Modifiers of BRCA1/2 (CIMBA), c/o University of Cambridge
Classification: Pathogenic for Breast-ovarian cancer, familial, susceptibility to, 1. Last evaluated: 2015-10-02. Review status: criteria provided, single submitter. Criteria: CIMBA Mutation Classification guidelines May 2016. Collection method: clinical testing. Allele origin: germline. Not counted in ClinVar's aggregate classification.

NM_007294.4(BRCA1):c.4349C>G (p.Ser1450Ter)

Gene: BRCA1 (BRCA1 DNA repair associated; minus strand). Cytogenetic location: 17q21.31.
Variant type: single nucleotide variant.
Coding change: c.4349C>G on transcript NM_007294.4 (MANE Select); coding-DNA position 4349, C replaced by G.
Protein change: p.Ser1450Ter; replaces serine 1450 with a stop codon.
Molecular consequence: nonsense. On other transcripts: non-coding transcript variant (1).
Genome position (GRCh38, 1-based): chr17:43,082,412, G>C on the plus strand (C>G on the coding strand, the complement: BRCA1 is on the minus strand). VCF-style: chr17-43082412-G-C. GRCh37 (hg19) VCF-style: chr17-41234429-G-C.
Other names: 4468C>G (S1450X); c.4208C>G, p.Ser1403Ter (NM_001407945.1, NM_007297.4, NM_001407692.1 and 23 more transcripts); c.4016C>G, p.Ser1339Ter (NM_001407946.1, NM_001407947.1, NM_001407948.1 and 3 more transcripts); c.3965C>G, p.Ser1322Ter (NM_001407962.1, NM_001407963.1); c.4205C>G, p.Ser1402Ter (NM_001407964.1, NM_001407750.1, NM_001407751.1 and 23 more transcripts); c.3842C>G, p.Ser1281Ter (NM_001407965.1); c.3461C>G, p.Ser1154Ter (NM_001407966.1, NM_001407967.1); c.1745C>G, p.Ser582Ter (NM_001407968.1); and 52 more; short protein forms S1450*, S347*, S1403*, S1281*, S1408*, S220*, S234*, S258*.
Identifiers: ClinVar variation 266471 (VCV000266471.7), dbSNP rs886040226, ClinGen allele CA10589668.